The following is an entry in ClinVar:

ClinVar aggregate classification (germline): Uncertain significance (1 of 4 stars; one submission).

Submission:

Labcorp Genetics (formerly Invitae), Labcorp
Classification: Uncertain significance. Last evaluated: 2022-03-14. Review status: criteria provided, single submitter. Criteria: Invitae Variant Classification Sherloc (09022015). Collection method: clinical testing. Allele origin: germline.
Comment: In summary, the available evidence is currently insufficient to determine the role of this variant in disease. Therefore, it has been classified as a Variant of Uncertain Significance. This variant has not been reported in the literature in individuals affected with NIN-related conditions. This variant is not present in population databases (gnomAD no frequency). This sequence change creates a premature translational stop signal (p.Tyr840*) in the NIN gene. It is expected to result in an absent or disrupted protein product. However, the current clinical and genetic evidence is not sufficient to establish whether loss-of-function variants in NIN cause disease.

NM_020921.4(NIN):c.2520C>A (p.Tyr840Ter)

Gene: NIN (ninein; minus strand). Cytogenetic location: 14q22.1.
Variant type: single nucleotide variant.
Coding change: c.2520C>A on transcript NM_020921.4 (MANE Select); coding-DNA position 2520, C replaced by A.
Protein change: p.Tyr840Ter; replaces tyrosine 840 with a stop codon.
Molecular consequence: nonsense. On other transcripts: intron variant (1).
Genome position (GRCh38, 1-based): chr14:50,758,510, G>T on the plus strand (C>A on the coding strand, the complement: NIN is on the minus strand). VCF-style: chr14-50758510-G-T. GRCh37 (hg19) VCF-style: chr14-51225228-G-T.
Other names: c.2520C>A, p.Tyr840Ter (NM_182944.3, NM_182946.2); c.2399+1347C>A (NM_016350.5); short protein forms Y840*.
Identifiers: ClinVar variation 2084928 (VCV002084928.4), dbSNP rs2505852020, ClinGen allele CA389701089.